The following is an entry in ClinVar:

NM_001278064.2(GRM1):c.2435T>A (p.Ile812Asn)

Gene: GRM1 (glutamate metabotropic receptor 1; plus strand). Cytogenetic location: 6q24.3.
Variant type: single nucleotide variant.
Coding change: c.2435T>A on transcript NM_001278064.2 (MANE Select); coding-DNA position 2435, T replaced by A.
Protein change: p.Ile812Asn; replaces isoleucine 812 with asparagine.
Molecular consequence: missense variant.
Genome position (GRCh38, 1-based): chr6:146,399,474, T>A. VCF-style: chr6-146399474-T-A. GRCh37 (hg19) VCF-style: chr6-146720610-T-A.
Other names: c.2435T>A, p.Ile812Asn (NM_001278065.2, NM_001278066.1, NM_001278067.1); short protein forms I812N.
Identifiers: ClinVar variation 3697129 (VCV003697129.2).

ClinVar aggregate classification (germline): Uncertain significance (1 of 4 stars; one submission).

Submission:

Labcorp Genetics (formerly Invitae), Labcorp
Classification: Uncertain significance. Last evaluated: 2024-06-22. Review status: criteria provided, single submitter. Criteria: Invitae Variant Classification Sherloc (09022015). Collection method: clinical testing. Allele origin: germline.
Comment: This sequence change replaces isoleucine, which is neutral and non-polar, with asparagine, which is neutral and polar, at codon 812 of the GRM1 protein (p.Ile812Asn). This variant is not present in population databases (gnomAD no frequency). This variant has not been reported in the literature in individuals affected with GRM1-related conditions. An algorithm developed to predict the effect of missense changes on protein structure and function (PolyPhen-2) suggests that this variant is likely to be disruptive. In summary, the available evidence is currently insufficient to determine the role of this variant in disease. Therefore, it has been classified as a Variant of Uncertain Significance.